The following is an entry in ClinVar:

ClinVar aggregate classification (germline): Conflicting classifications of pathogenicity. Review status: criteria provided, conflicting classifications (1 of 4 stars). 3 submissions from 3 submitters: Uncertain significance (2); Likely benign (1). Last evaluated 2026-01-06.

Conditions:
Autoimmune lymphoproliferative syndrome type 2A (ALPS2A). Also called: CASP10-Related Autoimmune Lymphoproliferative Syndrome; AUTOIMMUNE LYMPHOPROLIFERATIVE SYNDROME, TYPE IIA; Autoimmune lymphoproliferative syndrome type 2. Identifiers: Orphanet 3261, MedGen C1858968, MONDO:0011383, OMIM 603909.

Allele frequency attached by ClinVar (database versions not stated): gnomAD exomes 0.00001 and 0.00002; ExAC 0.00002; gnomAD 0.00003 and 0.00004; ESP Exome Variant Server 0.00008; TOPMed 0.00008.
gnomAD v4.1: 19 of 1,613,786 alleles (0.0012%); highest among the groups gnomAD compares: African/African-American, 0.021%; no homozygotes.

Submissions (3):

Labcorp Genetics (formerly Invitae), Labcorp
Classification: Uncertain significance for Autoimmune lymphoproliferative syndrome type 2A. Last evaluated: 2026-01-06. Review status: criteria provided, single submitter. Criteria: Invitae Variant Classification Sherloc (09022015). Collection method: clinical testing. Allele origin: germline.
Comment: This sequence change replaces isoleucine, which is neutral and non-polar, with valine, which is neutral and non-polar, at codon 185 of the CASP10 protein (p.Ile185Val). This variant is present in population databases (rs369231920, gnomAD 0.02%). This variant has not been reported in the literature in individuals affected with CASP10-related conditions. ClinVar contains an entry for this variant (Variation ID: 857497). Invitae Evidence Modeling of protein sequence and biophysical properties (such as structural, functional, and spatial information, amino acid conservation, physicochemical variation, residue mobility, and thermodynamic stability) indicates that this missense variant is not expected to disrupt CASP10 protein function with a negative predictive value of 80%. In summary, the available evidence is currently insufficient to determine the role of this variant in disease. Therefore, it has been classified as a Variant of Uncertain Significance.

Blueprint Genetics
Classification: Likely benign. Last evaluated: 2022-08-09. Review status: criteria provided, single submitter. Criteria: ACMG Guidelines, 2015. Collection method: clinical testing. Allele origin: germline.

Ambry Genetics
Classification: Uncertain significance. Last evaluated: 2022-07-26. Review status: criteria provided, single submitter. Criteria: Ambry Variant Classification Scheme 2023. Collection method: clinical testing. Allele origin: germline.

NM_032977.4(CASP10):c.553A>G (p.Ile185Val)

Gene: CASP10 (caspase 10; plus strand). Cytogenetic location: 2q33.1.
Variant type: single nucleotide variant.
Coding change: c.553A>G on transcript NM_032977.4 (MANE Select); coding-DNA position 553, A replaced by G.
Protein change: p.Ile185Val; replaces isoleucine 185 with valine.
Molecular consequence: missense variant.
Genome position (GRCh38, 1-based): chr2:201,193,095, A>G. VCF-style: chr2-201193095-A-G. GRCh37 (hg19) VCF-style: chr2-202057818-A-G.
Other names: c.553A>G, p.Ile185Val (NM_001206524.2, NM_001206542.2, NM_001230.5 and 3 more transcripts); short protein forms I185V.
Identifiers: ClinVar variation 857497 (VCV000857497.14), dbSNP rs369231920, ClinGen allele CA2052899.